The following is an entry in ClinVar:

ClinVar aggregate classification (germline): Likely benign. Review status: criteria provided, multiple submitters, no conflicts (2 of 4 stars). 3 submissions from 3 submitters: Likely benign (3). Last evaluated 2025-06-25.

Allele frequency attached by ClinVar (database versions not stated): 1000 Genomes Project 30x 0.00016; ESP Exome Variant Server 0.00017; gnomAD 0.00025 and 0.00028; TOPMed 0.00028; 1000 Genomes Project 0.00040.
gnomAD v4.1: 132 of 1,609,376 alleles (0.0082%); highest among the groups gnomAD compares: Admixed American, 0.078%; no homozygotes.

Submissions (3):

Labcorp Genetics (formerly Invitae), Labcorp
Classification: Likely benign. Last evaluated: 2025-06-25. Review status: criteria provided, single submitter. Criteria: Invitae Variant Classification Sherloc (09022015). Collection method: clinical testing. Allele origin: germline.

Blueprint Genetics
Classification: Likely benign. Last evaluated: 2024-09-18. Review status: criteria provided, single submitter. Criteria: ACMG Guidelines, 2015. Collection method: clinical testing. Allele origin: germline.

Laboratory for Molecular Medicine, Mass General Brigham Personalized Medicine
Classification: Likely benign. Last evaluated: 2012-04-30. Review status: criteria provided, single submitter. Criteria: LMM Criteria. Collection method: clinical testing. Allele origin: germline. Observed: 1 variant allele.
Comment: Ala5957Ala in Exon 84 of GPR98: This variant is not expected to have clinical si gnificance because it does not alter an amino acid residue, is not located withi n the splice consensus sequence, and has been identified in 0.1% (2/3100) of Afr ican American chromosomes from a broad population by the NHLBI Exome Sequencing Project.

NM_032119.4(ADGRV1):c.17871G>A (p.Ala5957=)

Gene: ADGRV1 (adhesion G protein-coupled receptor V1; plus strand). Cytogenetic location: 5q14.3.
Variant type: single nucleotide variant.
Coding change: c.17871G>A on transcript NM_032119.4 (MANE Select); coding-DNA position 17871, G replaced by A.
Protein change: p.Ala5957=; no amino-acid change (alanine 5957 retained).
Molecular consequence: synonymous variant. On other transcripts: non-coding transcript variant (1).
Genome position (GRCh38, 1-based): chr5:90,965,429, G>A. VCF-style: chr5-90965429-G-A. GRCh37 (hg19) VCF-style: chr5-90261246-G-A.
Identifiers: ClinVar variation 178373 (VCV000178373.14), dbSNP rs373800116, ClinGen allele CA182204.